The following is an entry in ClinVar:

ClinVar aggregate classification (germline): Uncertain significance. Review status: criteria provided, multiple submitters, no conflicts (2 of 4 stars). 2 submissions from 2 submitters: Uncertain significance (2). Last evaluated 2024-12-11.

Conditions:
Hereditary cancer-predisposing syndrome. Also called: Hereditary neoplastic syndrome; Neoplastic Syndromes, Hereditary; Tumor predisposition; Hereditary Cancer Syndrome. Identifiers: Orphanet 140162, MedGen C0027672, MeSH D009386, MONDO:0015356.
Ataxia-telangiectasia syndrome (AT). Also called: LOUIS-BAR SYNDROME; Cerebello-oculocutaneous telangiectasia; Immunodeficiency with ataxia telangiectasia; AT, COMPLEMENTATION GROUP C; Ataxia-telangiectasia, complementation group D; ATAXIA-TELANGIECTASIA, COMPLEMENTATION GROUP A. Identifiers: Orphanet 100, MedGen C0004135, MONDO:0008840, OMIM 208900.

Allele frequency attached by ClinVar (database versions not stated): gnomAD 0.00001; TOPMed 0.00001.
gnomAD v4.1: 1 of 1,609,472 alleles (0.000062%); highest among the groups gnomAD compares: African/African-American, 0.0013%; no homozygotes.

Submissions (2):

Labcorp Genetics (formerly Invitae), Labcorp
Classification: Uncertain significance for Ataxia-telangiectasia syndrome. Last evaluated: 2024-12-11. Review status: criteria provided, single submitter. Criteria: Invitae Variant Classification Sherloc (09022015). Collection method: clinical testing. Allele origin: germline.
Comment: This sequence change replaces leucine, which is neutral and non-polar, with phenylalanine, which is neutral and non-polar, at codon 1591 of the ATM protein (p.Leu1591Phe). This variant is not present in population databases (gnomAD no frequency). This variant has not been reported in the literature in individuals affected with ATM-related conditions. ClinVar contains an entry for this variant (Variation ID: 481229). Invitae Evidence Modeling of protein sequence and biophysical properties (such as structural, functional, and spatial information, amino acid conservation, physicochemical variation, residue mobility, and thermodynamic stability) indicates that this missense variant is not expected to disrupt ATM protein function with a negative predictive value of 95%. In summary, the available evidence is currently insufficient to determine the role of this variant in disease. Therefore, it has been classified as a Variant of Uncertain Significance.

Ambry Genetics
Classification: Uncertain significance for Hereditary cancer-predisposing syndrome. Last evaluated: 2019-09-16. Review status: criteria provided, single submitter. Criteria: Ambry Variant Classification Scheme 2023. Collection method: clinical testing. Allele origin: germline.
Comment: The p.L1591F variant (also known as c.4773G>C), located in coding exon 30 of the ATM gene, results from a G to C substitution at nucleotide position 4773. The leucine at codon 1591 is replaced by phenylalanine, an amino acid with highly similar properties. This amino acid position is well conserved in available vertebrate species. In addition, this alteration is predicted to be tolerated by in silico analysis. Since supporting evidence is limited at this time, the clinical significance of this alteration remains unclear.

NM_000051.4(ATM):c.4773G>C (p.Leu1591Phe)

Gene: ATM (ATM serine/threonine kinase; plus strand). Cytogenetic location: 11q22.3.
Variant type: single nucleotide variant.
Coding change: c.4773G>C on transcript NM_000051.4 (MANE Select); coding-DNA position 4773, G replaced by C.
Protein change: p.Leu1591Phe; replaces leucine 1591 with phenylalanine.
Molecular consequence: missense variant.
Genome position (GRCh38, 1-based): chr11:108,293,474, G>C. VCF-style: chr11-108293474-G-C. GRCh37 (hg19) VCF-style: chr11-108164201-G-C.
Other names: c.4773G>C, p.Leu1591Phe (NM_001351834.2); short protein forms L1591F.
Identifiers: ClinVar variation 481229 (VCV000481229.15), dbSNP rs1345760669, ClinGen allele CA382535203.